The following is an entry in ClinVar:

ClinVar aggregate classification (germline): Uncertain significance. Review status: criteria provided, single submitter (1 of 4 stars). 2 submissions from 2 submitters: Uncertain significance (1). 1 of the submissions does not count toward it. Last evaluated 2022-09-06.

Conditions:
RNU4ATAC-related disorder. Also called: RNU4ATAC-related condition.

gnomAD v4.1: 68 of 700,400 alleles (0.0097%); highest among the groups gnomAD compares: African/African-American, 0.056%; no homozygotes.

Submissions (2):

Labcorp Genetics (formerly Invitae), Labcorp
Classification: Uncertain significance. Last evaluated: 2022-09-06. Review status: criteria provided, single submitter. Criteria: Invitae Variant Classification Sherloc (09022015). Collection method: clinical testing. Allele origin: germline.
Comment: This variant occurs in the RNU4ATAC gene, which encodes an RNA molecule that does not result in a protein product. This variant is present in population databases (rs573109856, gnomAD 0.03%). This variant has not been reported in the literature in individuals affected with RNU4ATAC-related conditions. ClinVar contains an entry for this variant (Variation ID: 1379484). Experimental studies and prediction algorithms are not available or were not evaluated, and the functional significance of this variant is currently unknown. In summary, the available evidence is currently insufficient to determine the role of this variant in disease. Therefore, it has been classified as a Variant of Uncertain Significance.

PreventionGenetics, part of Exact Sciences
Classification: Uncertain significance for RNU4ATAC-related condition. Last evaluated: 2024-04-09. Review status: no assertion criteria provided. Collection method: clinical testing. Allele origin: germline. Not counted in ClinVar's aggregate classification.
Comment: The RNU4ATAC n.89A>G is a noncoding alteration. To our knowledge, this variant has not been reported in the literature. This variant is reported in 0.025% of alleles in individuals of East Asian descent in gnomAD. At this time, the clinical significance of this variant is uncertain due to the absence of conclusive functional and genetic evidence.

NR_023343.3(RNU4ATAC):n.89A>G

Genes: RNU4ATAC (RNA, U4atac small nuclear; plus strand), CLASP1 (cytoplasmic linker associated protein 1; minus strand), CLASP1-AS1 (CLASP1 antisense RNA 1; plus strand). Cytogenetic location: 2q14.2.
Variant type: single nucleotide variant.
Molecular consequence: intron variant (on NM_001395891.1).
Genome position: GRCh38 VCF-style: chr2-121530968-A-G. GRCh37 (hg19) VCF-style: chr2-122288544-A-G.
Other names: c.196-643T>C (NM_001142274.2, NM_015282.3, NM_001378003.1 and 5 more transcripts).
Identifiers: ClinVar variation 1379484 (VCV001379484.4), dbSNP rs573109856, ClinGen allele CA54810955.